The following is an entry in ClinVar:

NM_000492.4(CFTR):c.1660_1661insA (p.Ala554fs)

Genes: CFTR (CF transmembrane conductance regulator; plus strand), LOC111674475 (CFTR intron 11 enhancer; plus strand). Cytogenetic location: 7q31.2.
Variant type: Insertion.
Coding change: c.1660_1661insA on transcript NM_000492.4 (MANE Select); coding-DNA positions 1660 to 1661, A inserted.
Protein change: p.Ala554fs; shifts the reading frame from alanine 554.
Molecular consequence: frameshift variant.
Genome position: GRCh38 VCF-style: chr7-117587814-G-GA. GRCh37 (hg19) VCF-style: chr7-117227868-G-GA.
Other names: short protein forms A554fs.
Identifiers: ClinVar variation 53323 (VCV000053323.2), dbSNP rs397508254, ClinGen allele CA326585.

ClinVar aggregate classification (germline): Likely pathogenic. Review status: criteria provided, single submitter (1 of 4 stars). 2 submissions from 2 submitters: Likely pathogenic (1). 1 of the submissions does not count toward it. Last evaluated 2025-08-05.

Conditions:
CFTR-related disorder (CFTR-RD). Also called: CFTR-related disorders; CFTR-related condition. Identifiers: MedGen C5924204, MONDO:7770004.
Cystic fibrosis (CF). Also called: MUCOVISCIDOSIS. Identifiers: Orphanet 586, MedGen C0010674, MONDO:0009061, OMIM 219700. Disease mechanism: loss of function.

Submissions (2):

Natera, Inc.
Classification: Likely pathogenic for CFTR-related disorders. Last evaluated: 2025-08-05. Review status: criteria provided, single submitter. Criteria: Natera Variant Classification Schema (03/2026). Collection method: clinical testing. Allele origin: germline.
Comment: The c.1660_1661insA variant in CFTR is a frameshift variant predicted to shift the reading frame beginning at codon 554 and leads to a stop codon 14 codons downstream. This variant is expected to result in nonsense mediated decay, truncation, or a dysfunctional protein product. This variant is rare in the general population with a frequency below the threshold expected for the associated phenotype(s). Given the available evidence, this variant is classified as Likely Pathogenic.

ClinVar Staff, National Center for Biotechnology Information (NCBI)
No classification provided. Condition: CFTR-related disorders. Review status: no classification provided. Collection method: literature only. Allele origin: germline. Affected: yes. Not counted in ClinVar's aggregate classification.

Literature cited by the submitters: PubMed 18782298 (cited by ClinVar Staff, National Center for Biotechnology Information (NCBI)).